The following is an entry in ClinVar:

ClinVar aggregate classification (germline): Uncertain significance. Review status: criteria provided, multiple submitters, no conflicts (2 of 4 stars). 2 submissions from 2 submitters: Uncertain significance (2). Last evaluated 2024-10-18.

gnomAD v4.1: 99 of 1,613,778 alleles (0.0061%); highest among the groups gnomAD compares: Middle Eastern, 0.016%; no homozygotes.

Submissions (2):

Quest Diagnostics Nichols Institute San Juan Capistrano
Classification: Uncertain significance. Last evaluated: 2024-10-18. Review status: criteria provided, single submitter. Criteria: Quest Diagnostics criteria. Collection method: clinical testing. Allele origin: unknown.
Comment: The VWF c.6103G>T (p.Gly2035Cys) variant has not been reported in individuals with VWF-related conditions in the published literature. The frequency of this variant in the general population, 0.000087 (3/34592 chromosomes (Genome Aggregation Database)), is uninformative in the assessment of its pathogenicity. Analysis of this variant using bioinformatics tools for the prediction of the effect of amino acid changes on protein structure and function yielded predictions that this variant is damaging. Based on the available information, we are unable to determine the clinical significance of this variant.

Women's Health and Genetics/Laboratory Corporation of America, LabCorp
Classification: Uncertain significance. Last evaluated: 2024-09-17. Review status: criteria provided, single submitter. Criteria: LabCorp Variant Classification Summary - May 2015. Collection method: clinical testing. Allele origin: germline.
Comment: Variant summary: VWF c.6103G>T (p.Gly2035Cys) results in a non-conservative amino acid change located in the von Willebrand factor, type D domain (IPR001846) of the encoded protein sequence. Three of five in-silico tools predict a benign effect of the variant on protein function. The variant allele was found at a frequency of 3.2e-05 in 251224 control chromosomes. The available data on variant occurrences in the general population are insufficient to allow any conclusion about variant significance. To our knowledge, no occurrence of c.6103G>T in individuals affected with Von Willebrand Disease and no experimental evidence demonstrating its impact on protein function have been reported. No submitters have cited clinical-significance assessments for this variant to ClinVar. Based on the evidence outlined above, the variant was classified as uncertain significance.

NM_000552.5(VWF):c.6103G>T (p.Gly2035Cys)

Gene: VWF (von Willebrand factor; minus strand). Cytogenetic location: 12p13.31.
Variant type: single nucleotide variant.
Coding change: c.6103G>T on transcript NM_000552.5 (MANE Select); coding-DNA position 6103, G replaced by T.
Protein change: p.Gly2035Cys; replaces glycine 2035 with cysteine.
Molecular consequence: missense variant.
Genome position (GRCh38, 1-based): chr12:5,994,568, C>A on the plus strand (G>T on the coding strand, the complement: VWF is on the minus strand). VCF-style: chr12-5994568-C-A. GRCh37 (hg19) VCF-style: chr12-6103734-C-A.
Other names: c.6103G>T (NM_000552.4); short protein forms G2035C.
Identifiers: ClinVar variation 3375438 (VCV003375438.2).